The following is an entry in ClinVar:

NM_206538.4(EMC10):c.1A>G (p.Met1Val)

Genes: GARIN5A (golgi associated RAB2 interactor 5A; minus strand), EMC10 (ER membrane protein complex subunit 10; plus strand). Cytogenetic location: 19q13.33.
Variant type: single nucleotide variant.
Coding change: c.1A>G on transcript NM_206538.4 (MANE Select); coding-DNA position 1, A replaced by G.
Protein change: p.Met1Val; changes the start codon (methionine 1).
Molecular consequence: missense variant, initiator codon variant. On other transcripts: 5 prime UTR variant (2).
Genome position (GRCh38, 1-based): chr19:50,476,545, A>G. VCF-style: chr19-50476545-A-G. GRCh37 (hg19) VCF-style: chr19-50979802-A-G.
Other names: c.-157T>C (NM_001308429.2, NM_138411.3); c.1A>G, p.Met1Val (NM_175063.6); short protein forms M1V.
Identifiers: ClinVar variation 3892178 (VCV003892178.2).

ClinVar aggregate classification (germline): Uncertain significance. Review status: criteria provided, multiple submitters, no conflicts (2 of 4 stars). 2 submissions from 2 submitters: Uncertain significance (2). Last evaluated 2025-11-20.

Conditions:
Neurodevelopmental disorder with dysmorphic facies and variable seizures (NEDDFAS). Also called: EMC10-Related Neurodevelopmental Disorder. Identifiers: MedGen C5543268, MONDO:0031011, OMIM 619264.

gnomAD v4.1: 128 of 1,572,748 alleles (0.0081%); highest among the groups gnomAD compares: Non-Finnish European, 0.01%; no homozygotes.

Submissions (2):

Women's Health and Genetics/Laboratory Corporation of America, LabCorp
Classification: Uncertain significance. Last evaluated: 2025-11-20. Review status: criteria provided, single submitter. Criteria: LabCorp Variant Classification Summary - May 2015. Collection method: clinical testing. Allele origin: germline.
Comment: Variant summary: EMC10 c.1A>G (p.Met1Val) alters the initiation codon and is predicted to result either in absence of the protein or truncation of the encoded protein due to translation initiation at a downstream codon. The next downstream in-frame initiation codon is at codon 17. The variant allele was found at a frequency of 5e-05 in 180736 control chromosomes. The available data on variant occurrences in the general population are insufficient to allow any conclusion about variant significance. To our knowledge, no occurrence of c.1A>G in individuals affected with EMC10-related conditions and no experimental evidence demonstrating its impact on protein function have been reported. ClinVar contains an entry for this variant (Variation ID: 3892178). Based on the evidence outlined above, the variant was classified as uncertain significance.

Department of Pathology and Laboratory Medicine, Sinai Health System
Classification: Uncertain significance for Neurodevelopmental disorder with dysmorphic facies and variable seizures. Last evaluated: 2023-04-24. Review status: criteria provided, single submitter. Criteria: ACMG Guidelines, 2015. Collection method: research. Allele origin: germline.